The following is an entry in ClinVar:

ClinVar aggregate classification (germline): Uncertain significance (1 of 4 stars; one submission).

Conditions:
Charcot-Marie-Tooth disease type 4. Also called: Charcot-Marie-Tooth, Type 4; Charcot-Marie-Tooth disease, type IV. Identifiers: Orphanet 64749, MedGen C4082197, MONDO:0018995.

gnomAD v4.1: 7 of 1,612,526 alleles (0.00043%); highest among the groups gnomAD compares: Non-Finnish European, 0.00059%; no homozygotes.

Submission:

Labcorp Genetics (formerly Invitae), Labcorp
Classification: Uncertain significance for Charcot-Marie-Tooth disease type 4. Last evaluated: 2024-12-17. Review status: criteria provided, single submitter. Criteria: Invitae Variant Classification Sherloc (09022015). Collection method: clinical testing. Allele origin: germline.
Comment: This sequence change falls in intron 6 of the FGD4 gene. It does not directly change the encoded amino acid sequence of the FGD4 protein. It affects a nucleotide within the consensus splice site. This variant is not present in population databases (gnomAD no frequency). This variant has not been reported in the literature in individuals affected with FGD4-related conditions. Variants that disrupt the consensus splice site are a relatively common cause of aberrant splicing (PMID: 17576681, 9536098). Algorithms developed to predict the effect of sequence changes on RNA splicing suggest that this variant may disrupt the consensus splice site. In summary, the available evidence is currently insufficient to determine the role of this variant in disease. Therefore, it has been classified as a Variant of Uncertain Significance.

Literature cited by the submitters: PubMed 17576681; PubMed 9536098.

NM_001370298.3(FGD4):c.1247+5G>A

Gene: FGD4 (FYVE, RhoGEF and PH domain containing 4; plus strand). Cytogenetic location: 12p11.21.
Variant type: single nucleotide variant.
Coding change: c.1247+5G>A on transcript NM_001370298.3 (MANE Select); 5 bases into the intron after coding-DNA position 1247, G replaced by A.
Molecular consequence: intron variant.
Genome position (GRCh38, 1-based): chr12:32,601,428, G>A. VCF-style: chr12-32601428-G-A. GRCh37 (hg19) VCF-style: chr12-32754362-G-A.
Other names: c.1247+5G>A (NM_001384126.1); c.1091+5G>A (NM_001304481.2); c.557+5G>A (NM_001330374.2, NM_001330373.2, NM_001384130.1); c.836+5G>A (NM_139241.3, NM_001384127.1, NM_001385118.1 and 1 more transcripts); c.-216+5G>A (NM_001304484.2); c.284+5G>A (NM_001370297.1); c.92+5G>A (NM_001304483.2).
Identifiers: ClinVar variation 3722545 (VCV003722545.2).